The following is an entry in ClinVar:

NM_004168.4(SDHA):c.1030T>G (p.Ser344Ala)

Gene: SDHA (succinate dehydrogenase complex flavoprotein subunit A; plus strand). Cytogenetic location: 5p15.33.
Variant type: single nucleotide variant.
Coding change: c.1030T>G on transcript NM_004168.4 (MANE Select); coding-DNA position 1030, T replaced by G.
Protein change: p.Ser344Ala; replaces serine 344 with alanine.
Molecular consequence: missense variant.
Genome position (GRCh38, 1-based): chr5:233,611, T>G. VCF-style: chr5-233611-T-G. GRCh37 (hg19) VCF-style: chr5-233726-T-G.
Other names: c.886T>G, p.Ser296Ala (NM_001294332.2); c.1030T>G, p.Ser344Ala (NM_001330758.2); short protein forms S296A, S344A.
Identifiers: ClinVar variation 938803 (VCV000938803.10), dbSNP rs1735563330, ClinGen allele CA359012922.

ClinVar aggregate classification (germline): Uncertain significance (1 of 4 stars; one submission).

Conditions:
Mitochondrial complex II deficiency, nuclear type 1. Also called: SUCCINATE CoQ REDUCTASE DEFICIENCY. Identifiers: Orphanet 3208, MedGen C5700310, MONDO:0100294, OMIM 252011.
Pheochromocytoma/paraganglioma syndrome 5. Also called: Paragangliomas 5; SDHA-Related Hereditary Paraganglioma-Pheochromocytoma Syndrome. Identifiers: Orphanet 29072, MedGen C3279992, MONDO:0013602, OMIM 614165.

Submission:

Labcorp Genetics (formerly Invitae), Labcorp
Classification: Uncertain significance for Pheochromocytoma/paraganglioma syndrome 5; Mitochondrial complex II deficiency, nuclear type 1. Last evaluated: 2019-07-08. Review status: criteria provided, single submitter. Criteria: Invitae Variant Classification Sherloc (09022015). Collection method: clinical testing. Allele origin: germline.
Comment: This sequence change replaces serine with alanine at codon 344 of the SDHA protein (p.Ser344Ala). The serine residue is highly conserved and there is a moderate physicochemical difference between serine and alanine. This variant is not present in population databases (ExAC no frequency). This variant has not been reported in the literature in individuals with SDHA-related conditions. Algorithms developed to predict the effect of missense changes on protein structure and function (SIFT, PolyPhen-2, Align-GVGD) all suggest that this variant is likely to be tolerated, but these predictions have not been confirmed by published functional studies and their clinical significance is uncertain. In summary, the available evidence is currently insufficient to determine the role of this variant in disease. Therefore, it has been classified as a Variant of Uncertain Significance.